The following is an entry in ClinVar:

NM_000368.5(TSC1):c.1029+10C>T

Gene: TSC1 (TSC complex subunit 1; minus strand). Cytogenetic location: 9q34.13.
Variant type: single nucleotide variant.
Coding change: c.1029+10C>T on transcript NM_000368.5 (MANE Select); 10 bases into the intron after coding-DNA position 1029, C replaced by T.
Molecular consequence: intron variant.
Genome position (GRCh38, 1-based): chr9:132,911,443, G>A on the plus strand (C>T on the coding strand, the complement: TSC1 is on the minus strand). VCF-style: chr9-132911443-G-A. GRCh37 (hg19) VCF-style: chr9-135786830-G-A.
Other names: c.666+10C>T (NM_001362177.2); c.876+10C>T (NM_001162427.2); c.1029+10C>T (NM_001162426.2).
Identifiers: ClinVar variation 1582815 (VCV001582815.10), dbSNP rs1222482776, ClinGen allele CA375368315.
Genomic context (GRCh38, chr9:132,911,443, plus strand): 5'-AAATCTGACCCAAAGGGTCAGCTTCACCAGAAAGCAGAGGAGAGAGCAGGCACACTAGTT[G>A]ACACCATACTTGTGGTGGTTCAGTTATCAGCCGTGTCGATGGGGAACTCAGAGTCTGAGG-3'

ClinVar aggregate classification (germline): Likely benign. Review status: criteria provided, multiple submitters, no conflicts (2 of 4 stars). 2 submissions from 2 submitters: Likely benign (2). Last evaluated 2025-04-09.

Conditions:
Tuberous sclerosis 1 (TSC1). Identifiers: Orphanet 805, MedGen C1854465, MONDO:0008612, OMIM 191100.

Allele frequency attached by ClinVar (database versions not stated): TOPMed below 0.00001.

Submissions (2):

Myriad Genetics, Inc.
Classification: Likely benign for Tuberous sclerosis 1. Last evaluated: 2025-04-09. Review status: criteria provided, single submitter. Criteria: Myriad Autosomal Dominant, Autosomal Recessive and X-Linked Classification Criteria (2023). Collection method: clinical testing. Allele origin: unknown.
Comment: This variant is considered likely benign. This variant is intronic and is not expected to impact mRNA splicing.

Labcorp Genetics (formerly Invitae), Labcorp
Classification: Likely benign for Tuberous sclerosis 1. Last evaluated: 2022-01-06. Review status: criteria provided, single submitter. Criteria: Invitae Variant Classification Sherloc (09022015). Collection method: clinical testing. Allele origin: germline.